The following is an entry in ClinVar:

ClinVar aggregate classification (germline): Uncertain significance (1 of 4 stars; one submission).

Conditions:
Mevalonic aciduria (MEVA). Identifiers: Orphanet 29, MedGen C1959626, MONDO:0012481, OMIM 610377.
Porokeratosis 3, disseminated superficial actinic type (POROK3). Also called: POROKERATOSIS, DISSEMINATED SUPERFICIAL ACTINIC, 1; POROKERATOSIS 3, MIBELLI TYPE; POROKERATOSIS 3, MULTIPLE TYPES. Identifiers: MedGen C1867981, MONDO:0008293, OMIM 175900.
Hyperimmunoglobulin D with periodic fever (HIDS). Also called: HYPERIMMUNOGLOBULINEMIA D AND PERIODIC FEVER SYNDROME; Hyperimmunoglobulinemia D; Hyperimmunoglobulinemia D with periodic fever. Identifiers: Orphanet 343, MedGen C0398691, MONDO:0009849, OMIM 260920.

Submission:

Labcorp Genetics (formerly Invitae), Labcorp
Classification: Uncertain significance for Mevalonic aciduria; Hyperimmunoglobulin D with periodic fever; Porokeratosis 3, disseminated superficial actinic type. Last evaluated: 2025-04-11. Review status: criteria provided, single submitter. Criteria: Invitae Variant Classification Sherloc (09022015). Collection method: clinical testing. Allele origin: germline.
Comment: This sequence change replaces threonine, which is neutral and polar, with isoleucine, which is neutral and non-polar, at codon 37 of the MVK protein (p.Thr37Ile). This variant is not present in population databases (gnomAD no frequency). This variant has not been reported in the literature in individuals affected with MVK-related conditions. Invitae Evidence Modeling of protein sequence and biophysical properties (such as structural, functional, and spatial information, amino acid conservation, physicochemical variation, residue mobility, and thermodynamic stability) has been performed for this missense variant. However, the output from this modeling did not meet the statistical confidence thresholds required to predict the impact of this variant on MVK protein function. In summary, the available evidence is currently insufficient to determine the role of this variant in disease. Therefore, it has been classified as a Variant of Uncertain Significance.

NM_000431.4(MVK):c.110C>T (p.Thr37Ile)

Gene: MVK (mevalonate kinase; plus strand). Cytogenetic location: 12q24.11.
Variant type: single nucleotide variant.
Coding change: c.110C>T on transcript NM_000431.4 (MANE Select); coding-DNA position 110, C replaced by T.
Protein change: p.Thr37Ile; replaces threonine 37 with isoleucine.
Molecular consequence: missense variant. On other transcripts: 5 prime UTR variant (1), non-coding transcript variant (4).
Genome position (GRCh38, 1-based): chr12:109,576,029, C>T. VCF-style: chr12-109576029-C-T. GRCh37 (hg19) VCF-style: chr12-110013834-C-T.
Other names: c.110C>T, p.Thr37Ile (NM_001114185.3, NM_001301182.2, NM_001414511.1 and 3 more transcripts); c.-473C>T (NM_001414515.1); short protein forms T37I.
Identifiers: ClinVar variation 4783714 (VCV004783714.1).